The following is an entry in ClinVar:

NM_002432.3(MNDA):c.298C>T (p.Pro100Ser)

Gene: MNDA (myeloid cell nuclear differentiation antigen; plus strand). Cytogenetic location: 1q23.1.
Variant type: single nucleotide variant.
Coding change: c.298C>T on transcript NM_002432.3 (MANE Select); coding-DNA position 298, C replaced by T.
Protein change: p.Pro100Ser; replaces proline 100 with serine.
Molecular consequence: missense variant.
Genome position (GRCh38, 1-based): chr1:158,843,311, C>T. VCF-style: chr1-158843311-C-T. GRCh37 (hg19) VCF-style: chr1-158813101-C-T.
Other names: short protein forms P100S.
Identifiers: ClinVar variation 3295430 (VCV003295430.1).

ClinVar aggregate classification (germline): Uncertain significance (1 of 4 stars; one submission).

Submission:

Ambry Genetics
Classification: Uncertain significance. Last evaluated: 2024-05-01. Review status: criteria provided, single submitter. Criteria: Ambry Variant Classification Scheme 2023. Collection method: clinical testing. Allele origin: germline.
Comment: The p.P100S variant (also known as c.298C>T), located in coding exon 2 of the MNDA gene, results from a C to T substitution at nucleotide position 298. The proline at codon 100 is replaced by serine, an amino acid with similar properties. This amino acid position is conserved. In addition, this alteration is predicted to be tolerated by in silico analysis. Based on the available evidence, the clinical significance of this variant remains unclear.